The following is an entry in ClinVar:

ClinVar aggregate classification (germline): Uncertain significance (1 of 4 stars; one submission).

Conditions:
Inborn genetic diseases. Identifiers: MedGen C0950123, MeSH D030342.

Allele frequency attached by ClinVar (database versions not stated): gnomAD exomes below 0.00001; TOPMed 0.00002.

Submission:

Ambry Genetics
Classification: Uncertain significance for Inborn genetic diseases. Last evaluated: 2018-04-13. Review status: criteria provided, single submitter. Criteria: Ambry Variant Classification Scheme 2023. Collection method: clinical testing. Allele origin: germline.
Comment: The p.V1307L variant (also known as c.3919G>T), located in coding exon 21 of the SHANK3 gene, results from a G to T substitution at nucleotide position 3919. The valine at codon 1307 is replaced by leucine, an amino acid with highly similar properties. This amino acid position is well conserved in available vertebrate species; however, leucine is the reference amino acid in other vertebrate species. Since supporting evidence is limited at this time, the clinical significance of this alteration remains unclear.

NM_001372044.2(SHANK3):c.4144G>T (p.Val1382Leu)

Gene: SHANK3 (SH3 and multiple ankyrin repeat domains 3; plus strand). Cytogenetic location: 22q13.33.
Variant type: single nucleotide variant.
Coding change: c.4144G>T on transcript NM_001372044.2 (MANE Select); coding-DNA position 4144, G replaced by T.
Protein change: p.Val1382Leu; replaces valine 1382 with leucine.
Molecular consequence: missense variant.
Genome position (GRCh38, 1-based): chr22:50,721,752, G>T. VCF-style: chr22-50721752-G-T. GRCh37 (hg19) VCF-style: chr22-51160180-G-T.
Other names: c.3919G>T, p.Val1307Leu (NM_033517.1); short protein forms V1307L, V1382L.
Identifiers: ClinVar variation 1736169 (VCV001736169.2), dbSNP rs766670962, ClinGen allele CA10326176.